The following is an entry in ClinVar:

ClinVar aggregate classification (germline): Likely benign. Review status: criteria provided, multiple submitters, no conflicts (2 of 4 stars). 2 submissions from 2 submitters: Likely benign (2). Last evaluated 2024-08-29.

Conditions:
Arrhythmogenic right ventricular cardiomyopathy (ARVD). Also called: Cardiomyopathy, ARVC; Arrhythmogenic right ventricular dysplasia; Arrhythmogenic cardiomyopathy; Arrhythmogenic Right Ventricular Cardiomyopathy (ARVC). Identifiers: Orphanet 247, MedGen C0349788, MeSH D019571, MONDO:0016587. Disease mechanism: loss of function. Inheritance: Various modes of inheritance.
Cardiomyopathy (CMYO). Also called: Cardiomyopathies. Identifiers: Orphanet 167848, MedGen C0878544, MONDO:0004994, HP:0001638. Inheritance: Various modes of inheritance.

Allele frequency attached by ClinVar (database versions not stated): gnomAD exomes below 0.00001; TOPMed below 0.00001.
gnomAD v4.1: 1 of 1,603,920 alleles (0.000062%); highest among the groups gnomAD compares: Non-Finnish European, 0.000085%; no homozygotes.

Submissions (2):

Color Diagnostics, LLC DBA Color Health
Classification: Likely benign for Cardiomyopathy. Last evaluated: 2024-08-29. Review status: criteria provided, single submitter. Criteria: ACMG Guidelines, 2015. Collection method: clinical testing. Allele origin: germline.

All of Us Research Program, National Institutes of Health
Classification: Likely benign for Arrhythmogenic right ventricular cardiomyopathy. Last evaluated: 2023-11-30. Review status: criteria provided, single submitter. Criteria: ACMG Guidelines, 2015. Collection method: clinical testing. Allele origin: germline. Inheritance: Autosomal dominant inheritance. Observed: 1 variant allele, 1 heterozygote.
Comment: This study involves interpretation of variants in research participants for the purpose of population health screening. Participant phenotype was not available at the time of variant classification. Additional details can be found in publication PMID: 35346344, PMCID: PMC8962531

NM_001943.5(DSG2):c.2917A>G (p.Thr973Ala)

Genes: DSG2 (desmoglein 2; plus strand), DSG2-AS1 (DSG2 antisense RNA 1; minus strand). Cytogenetic location: 18q12.1.
Variant type: single nucleotide variant.
Coding change: c.2917A>G on transcript NM_001943.5 (MANE Select); coding-DNA position 2917, A replaced by G.
Protein change: p.Thr973Ala; replaces threonine 973 with alanine.
Molecular consequence: missense variant.
Genome position (GRCh38, 1-based): chr18:31,546,303, A>G. VCF-style: chr18-31546303-A-G. GRCh37 (hg19) VCF-style: chr18-29126266-A-G.
Other names: short protein forms T973A.
Identifiers: ClinVar variation 1172416 (VCV001172416.4), dbSNP rs2073309041, ClinGen allele CA402147358.